The following is an entry in ClinVar:

NM_001099922.3(ALG13):c.2797CCT[12] (p.Pro945del)

Gene: ALG13 (ALG13 UDP-N-acetylglucosaminyltransferase subunit; plus strand). Cytogenetic location: Xq23.
Variant type: Microsatellite.
Coding change: c.2797CCT[12] on transcript NM_001099922.3 (MANE Select); 12 copies in a row of the 3-base unit CCT starting at c.2797; the reference has 13 copies in a row; one copy, 3 bases deleted; also written c.2833_2835del.
Protein change: p.Pro945del; deletes proline 945.
Molecular consequence: inframe deletion. On other transcripts: intron variant (5).
Genome position (GRCh38, 1-based): chrX:111,744,805-111,744,807, CCT deleted; deleting any 3 consecutive bases within chrX:111,744,769-111,744,807 gives the same sequence; the position shown is the placement nearest the transcript's 3' end. VCF-style (leftmost placement, unchanged base first): chrX-111744768-ACCT-A. GRCh37 (hg19) VCF-style: chrX-110987996-ACCT-A.
Other names: p.Pro945del; c.2833_2835delCCT (NM_001099922.2); c.2563CCT[12], p.Pro867del (NM_001257231.2); c.2383+7890CCT[12] (NM_001257237.2, NM_001257234.2, NM_001257230.2); c.2209+7890CCT[12] (NM_001324293.1); c.2695+7890CCT[12] (NM_001324292.2); c.2833_2835del (NM_001099922.3, NM_001099922.2); short protein forms P945del, P867del.
Identifiers: ClinVar variation 238295 (VCV000238295.21), dbSNP rs56717389, ClinGen allele CA10493978.
Genomic context (GRCh38, chrX:111,744,768, plus strand): 5'-TCATGCTGGTGCCTCTCTACCACCACCACCACCACCACCACCACCACCACCACCACCACC[ACCT>A]CCTCCTCCTCCTCCTCCTCCTCCTCCTCCTCCTCCTGCTCTTGATGTGGGAGAGACTTCA-3'

ClinVar aggregate classification (germline): Benign. Review status: criteria provided, multiple submitters, no conflicts (2 of 4 stars). 9 submissions from 9 submitters: Benign (6). 3 of the submissions do not count toward it. Last evaluated 2026-02-03.

Conditions:
ALG13-related disorder. Also called: ALG13-related condition.
Developmental and epileptic encephalopathy, 36 (DEE36). Also called: Epileptic encephalopathy, early infantile, 36; ALG13-CDG; Congenital disorder of glycosylation, type Is. Identifiers: Orphanet 324422, MedGen C4317295, MONDO:0010472, OMIM 300884.
Inborn genetic diseases. Identifiers: MedGen C0950123, MeSH D030342.

Submissions (9):

Labcorp Genetics (formerly Invitae), Labcorp
Classification: Benign for Developmental and epileptic encephalopathy, 36. Last evaluated: 2026-02-03. Review status: criteria provided, single submitter. Criteria: Invitae Variant Classification Sherloc (09022015). Collection method: clinical testing. Allele origin: germline.

Blueprint Genetics
Classification: Benign. Last evaluated: 2024-11-28. Review status: criteria provided, single submitter. Criteria: ACMG Guidelines, 2015. Collection method: clinical testing. Allele origin: germline.

Ambry Genetics
Classification: Benign for Inborn genetic diseases. Last evaluated: 2022-04-19. Review status: criteria provided, single submitter. Criteria: Ambry Variant Classification Scheme 2023. Collection method: clinical testing. Allele origin: germline.

Genome-Nilou Lab
Classification: Benign for Developmental and epileptic encephalopathy, 36. Last evaluated: 2021-12-05. Review status: criteria provided, single submitter. Criteria: ACMG Guidelines, 2015. Collection method: clinical testing. Allele origin: germline. Affected: no.

GeneDx
Classification: Benign. Last evaluated: 2019-10-21. Review status: criteria provided, single submitter. Criteria: GeneDx Variant Classification Process June 2021. Collection method: clinical testing. Allele origin: germline. Affected: yes.

Mayo Clinic Laboratories, Mayo Clinic
Classification: Benign. Last evaluated: 2019-03-25. Review status: criteria provided, single submitter. Criteria: ACMG Guidelines, 2015. Collection method: clinical testing. Allele origin: germline. Observed: 9 variant alleles.

PreventionGenetics, part of Exact Sciences
Classification: Likely benign for ALG13-related condition. Last evaluated: 2021-01-05. Review status: no assertion criteria provided. Collection method: clinical testing. Allele origin: germline. Not counted in ClinVar's aggregate classification.
Comment: This variant is classified as likely benign based on ACMG/AMP sequence variant interpretation guidelines (Richards et al. 2015 PMID: 25741868, with internal and published modifications).

Clinical Genetics DNA and cytogenetics Diagnostics Lab, Erasmus MC, Erasmus Medical Center
Classification: Benign. Review status: no assertion criteria provided. Collection method: clinical testing. Allele origin: germline. Affected: yes. Study: VKGL Data-share Consensus. Not counted in ClinVar's aggregate classification.

Diagnostic Laboratory, Department of Genetics, University Medical Center Groningen
Classification: Benign. Review status: no assertion criteria provided. Collection method: clinical testing. Allele origin: germline. Affected: yes. Study: VKGL Data-share Consensus. Not counted in ClinVar's aggregate classification.